The following is an entry in ClinVar:

NM_021100.5(NFS1):c.1310+9A>G

Gene: NFS1 (NFS1 cysteine desulfurase; minus strand). Cytogenetic location: 20q11.22.
Variant type: single nucleotide variant.
Coding change: c.1310+9A>G on transcript NM_021100.5 (MANE Select); 9 bases into the intron after coding-DNA position 1310, A replaced by G.
Molecular consequence: intron variant.
Genome position (GRCh38, 1-based): chr20:35,672,746, T>C on the plus strand (A>G on the coding strand, the complement: NFS1 is on the minus strand). VCF-style: chr20-35672746-T-C. GRCh37 (hg19) VCF-style: chr20-34260668-T-C.
Other names: c.1310+9A>G (NM_021100.4); c.1157+9A>G (NM_001198989.2).
Identifiers: ClinVar variation 2078030 (VCV002078030.6), dbSNP rs148802600, ClinGen allele CA9836990.

ClinVar aggregate classification (germline): Likely benign. Review status: criteria provided, single submitter (1 of 4 stars). 2 submissions from 2 submitters: Likely benign (1). 1 of the submissions does not count toward it. Last evaluated 2025-11-29.

Conditions:
NFS1-related disorder. Also called: NFS1-related condition.

Allele frequency attached by ClinVar (database versions not stated): gnomAD exomes 0.00002; ExAC 0.00008; ESP Exome Variant Server 0.00008; 1000 Genomes Project 30x 0.00016; 1000 Genomes Project 0.00020; gnomAD 0.00023; TOPMed 0.00023.
gnomAD v4.1: 73 of 1,574,774 alleles (0.0046%); highest among the groups gnomAD compares: African/African-American, 0.085%; no homozygotes.

Submissions (2):

Labcorp Genetics (formerly Invitae), Labcorp
Classification: Likely benign. Last evaluated: 2025-11-29. Review status: criteria provided, single submitter. Criteria: Invitae Variant Classification Sherloc (09022015). Collection method: clinical testing. Allele origin: germline.

PreventionGenetics, part of Exact Sciences
Classification: Likely benign for NFS1-related condition. Last evaluated: 2019-08-09. Review status: no assertion criteria provided. Collection method: clinical testing. Allele origin: germline. Not counted in ClinVar's aggregate classification.
Comment: This variant is classified as likely benign based on ACMG/AMP sequence variant interpretation guidelines (Richards et al. 2015 PMID: 25741868, with internal and published modifications).